The following is an entry in ClinVar:

ClinVar aggregate classification (germline): Uncertain significance (1 of 4 stars; one submission).

Submission:

Labcorp Genetics (formerly Invitae), Labcorp
Classification: Uncertain significance. Last evaluated: 2021-10-28. Review status: criteria provided, single submitter. Criteria: Invitae Variant Classification Sherloc (09022015). Collection method: clinical testing. Allele origin: germline.
Comment: This variant is not present in population databases (gnomAD no frequency). This sequence change replaces arginine, which is basic and polar, with glycine, which is neutral and non-polar, at codon 244 of the OPA1 protein (p.Arg244Gly). This variant has not been reported in the literature in individuals affected with OPA1-related conditions. In summary, the available evidence is currently insufficient to determine the role of this variant in disease. Therefore, it has been classified as a Variant of Uncertain Significance. Algorithms developed to predict the effect of missense changes on protein structure and function are either unavailable or do not agree on the potential impact of this missense change (SIFT: "Deleterious"; PolyPhen-2: "Probably Damaging"; Align-GVGD: "Class C0").

NM_130837.3(OPA1):c.895A>G (p.Arg299Gly)

Gene: OPA1 (OPA1 mitochondrial dynamin like GTPase; plus strand). Cytogenetic location: 3q29.
Variant type: single nucleotide variant.
Coding change: c.895A>G on transcript NM_130837.3 (MANE Select); coding-DNA position 895, A replaced by G.
Protein change: p.Arg299Gly; replaces arginine 299 with glycine.
Molecular consequence: missense variant.
Genome position (GRCh38, 1-based): chr3:193,635,469, A>G. VCF-style: chr3-193635469-A-G. GRCh37 (hg19) VCF-style: chr3-193353258-A-G.
Other names: c.361A>G, p.Arg121Gly (NM_001354663.2); c.358A>G, p.Arg120Gly (NM_001354664.2); c.730A>G, p.Arg244Gly (NM_015560.3); c.622A>G, p.Arg208Gly (NM_130831.3); c.676A>G, p.Arg226Gly (NM_130832.3); c.733A>G, p.Arg245Gly (NM_130833.3); c.784A>G, p.Arg262Gly (NM_130834.3); c.787A>G, p.Arg263Gly (NM_130835.3); and 1 more; short protein forms R120G, R121G, R208G, R226G, R262G, R281G, R299G, R245G.
Identifiers: ClinVar variation 1485131 (VCV001485131.6), dbSNP rs2109002496, ClinGen allele CA355787395.